The following is an entry in ClinVar:

NM_018163.3(DNAJC17):c.904C>T (p.Pro302Ser)

Gene: DNAJC17 (DnaJ heat shock protein family (Hsp40) member C17; minus strand). Cytogenetic location: 15q15.1.
Variant type: single nucleotide variant.
Coding change: c.904C>T on transcript NM_018163.3 (MANE Select); coding-DNA position 904, C replaced by T.
Protein change: p.Pro302Ser; replaces proline 302 with serine.
Molecular consequence: missense variant.
Genome position (GRCh38, 1-based): chr15:40,767,951, G>A on the plus strand (C>T on the coding strand, the complement: DNAJC17 is on the minus strand). VCF-style: chr15-40767951-G-A. GRCh37 (hg19) VCF-style: chr15-41060149-G-A.
Other names: short protein forms P302S.
Identifiers: ClinVar variation 3273107 (VCV003273107.3).

ClinVar aggregate classification (germline): Uncertain significance. Review status: criteria provided, multiple submitters, no conflicts (2 of 4 stars). 2 submissions from 2 submitters: Uncertain significance (2). Last evaluated 2024-03-31.

gnomAD v4.1: 14 of 1,612,832 alleles (0.00087%); highest among the groups gnomAD compares: Non-Finnish European, 0.0012%; no homozygotes.

Submissions (2):

Ambry Genetics
Classification: Uncertain significance. Last evaluated: 2024-03-31. Review status: criteria provided, single submitter. Criteria: Ambry Variant Classification Scheme 2023. Collection method: clinical testing. Allele origin: germline.

Labcorp Genetics (formerly Invitae), Labcorp
Classification: Uncertain significance. Last evaluated: 2024-02-14. Review status: criteria provided, single submitter. Criteria: Invitae Variant Classification Sherloc (09022015). Collection method: clinical testing. Allele origin: germline.
Comment: This sequence change replaces proline, which is neutral and non-polar, with serine, which is neutral and polar, at codon 302 of the DNAJC17 protein (p.Pro302Ser). This variant is present in population databases (rs762395033, gnomAD 0.005%). This variant has not been reported in the literature in individuals affected with DNAJC17-related conditions. An algorithm developed to predict the effect of missense changes on protein structure and function (PolyPhen-2) suggests that this variant is likely to be tolerated. In summary, the available evidence is currently insufficient to determine the role of this variant in disease. Therefore, it has been classified as a Variant of Uncertain Significance.